The following is an entry in ClinVar:

ClinVar aggregate classification (germline): Conflicting classifications of pathogenicity. Review status: criteria provided, conflicting classifications (1 of 4 stars). 7 submissions from 7 submitters: Pathogenic (1); Likely pathogenic (4); Uncertain significance (1). 1 of the submissions does not count toward it. Last evaluated 2026-09-17.

Conditions:
Ehlers-Danlos syndrome, spondylodysplastic type, 1 (EDSSPD1). Also called: Ehlers-Danlos syndrome progeroid type; XGPT DEFICIENCY; XYLOSYLPROTEIN 4-BETA-GALACTOSYLTRANSFERASE DEFICIENCY; DERMATAN SULFATE PROTEOGLYCAN; EHLERS-DANLOS SYNDROME, PROGEROID TYPE, 1; GALACTOSYLTRANSFERASE I DEFICIENCY. Identifiers: Orphanet 75496, MedGen C4552003, MONDO:0020682, OMIM 130070.
Spondylodysplastic Ehlers-Danlos syndrome. Identifiers: Orphanet 536471, Orphanet 75496, MedGen C5680154, MONDO:0007526.

Allele frequency attached by ClinVar (database versions not stated): gnomAD exomes 0.00003; gnomAD 0.00005 and 0.00007; ExAC 0.00006; TOPMed 0.00009; 1000 Genomes Project 30x 0.00016; 1000 Genomes Project 0.00020.

Submissions (7):

GeneDx
Classification: Likely pathogenic. Last evaluated: 2026-09-17. Review status: criteria provided, single submitter. Criteria: GeneDx Variant Classification Process June 2021. Collection method: clinical testing. Allele origin: germline.
Comment: Not observed at significant frequency in large population cohorts (gnomAD); In silico analysis supports that this missense variant has a deleterious effect on protein structure/function; This variant is associated with the following publications: (PMID: 25533962, 26940150, 28306225, 30914273, 31589614, 32629534, 31614862, Boi2021[article], 39981085)

Dasa
Classification: Likely pathogenic. Last evaluated: 2026-02-27. Review status: criteria provided, single submitter. Criteria: DASA Assertion Criteria. Collection method: clinical testing. Allele origin: germline.
Comment: NM_007255.3(B4GALT7):c.421C>T (p.Arg141Trp) is a missense variant that results in the substitution of arginine with tryptophan. This variant has been reported in individuals with B4GALT7-related disorders (PMID: 26940150). Also, this variant is rare in population databases. Computational evidence supports a deleterious effect. Based on the currently available evidence, this variant is classified as likely pathogenic.

Labcorp Genetics (formerly Invitae), Labcorp
Classification: Pathogenic for Spondylodysplastic Ehlers-Danlos syndrome. Last evaluated: 2026-02-01. Review status: criteria provided, single submitter. Criteria: Invitae Variant Classification Sherloc (09022015). Collection method: clinical testing. Allele origin: germline.
Comment: This sequence change replaces arginine, which is basic and polar, with tryptophan, which is neutral and slightly polar, at codon 141 of the B4GALT7 protein (p.Arg141Trp). This variant is present in population databases (rs187063864, gnomAD 0.008%). This missense change has been observed in individual(s) with spondylodysplastic Ehlers-Danlos syndrome (PMID: 26940150, 30914273). In at least one individual the data is consistent with being in trans (on the opposite chromosome) from a pathogenic variant. It has also been observed to segregate with disease in related individuals. ClinVar contains an entry for this variant (Variation ID: 253108). Invitae Evidence Modeling of protein sequence and biophysical properties (such as structural, functional, and spatial information, amino acid conservation, physicochemical variation, residue mobility, and thermodynamic stability) indicates that this missense variant is expected to disrupt B4GALT7 protein function with a positive predictive value of 80%. For these reasons, this variant has been classified as Pathogenic.

Mayo Clinic Laboratories, Mayo Clinic
Classification: Likely pathogenic. Last evaluated: 2025-10-26. Review status: criteria provided, single submitter. Criteria: ACMG Guidelines, 2015. Collection method: clinical testing. Allele origin: germline. Observed: 2 variant alleles.
Comment: PP1, PP3, PM3_strong

Blueprint Genetics
Classification: Uncertain significance. Last evaluated: 2023-12-05. Review status: criteria provided, single submitter. Criteria: ACMG Guidelines, 2015. Collection method: clinical testing. Allele origin: germline.

Revvity Omics, Revvity
Classification: Likely pathogenic for Ehlers-Danlos syndrome, spondylodysplastic type, 1. Last evaluated: 2022-12-21. Review status: criteria provided, single submitter. Criteria: ACMG Guidelines, 2015. Collection method: clinical testing. Allele origin: germline.

OMIM
Classification: Pathogenic for EHLERS-DANLOS SYNDROME, SPONDYLODYSPLASTIC TYPE, 1. Last evaluated: 2017-12-22. Review status: no assertion criteria provided. Collection method: literature only. Allele origin: germline. Not counted in ClinVar's aggregate classification.

Literature cited by the submitters: PubMed 26940150 (cited by 4 submitters); PubMed 30914273 (cited by 3 submitters); PubMed 28306225 (cited by Mayo Clinic Laboratories, Mayo Clinic); PubMed 31614862 (cited by Mayo Clinic Laboratories, Mayo Clinic).

NM_007255.3(B4GALT7):c.421C>T (p.Arg141Trp)

Gene: B4GALT7 (beta-1,4-galactosyltransferase 7; plus strand). Cytogenetic location: 5q35.3.
Variant type: single nucleotide variant.
Coding change: c.421C>T on transcript NM_007255.3 (MANE Select); coding-DNA position 421, C replaced by T.
Protein change: p.Arg141Trp; replaces arginine 141 with tryptophan.
Molecular consequence: missense variant.
Genome position (GRCh38, 1-based): chr5:177,607,309, C>T. VCF-style: chr5-177607309-C-T. GRCh37 (hg19) VCF-style: chr5-177034310-C-T.
Other names: B4GALT7, ARG141TRP; p.Arg141Trp; short protein forms R141W.
Identifiers: ClinVar variation 253108 (VCV000253108.18), dbSNP rs187063864, ClinGen allele CA3586497.